The following is an entry in ClinVar:

NM_018669.6(WDR4):c.782T>C (p.Leu261Pro)

Gene: WDR4 (WDR4 tRNA N7-guanosine methyltransferase non-catalytic subunit; minus strand). Cytogenetic location: 21q22.3.
Variant type: single nucleotide variant.
Coding change: c.782T>C on transcript NM_018669.6 (MANE Select); coding-DNA position 782, T replaced by C.
Protein change: p.Leu261Pro; replaces leucine 261 with proline.
Molecular consequence: missense variant. On other transcripts: non-coding transcript variant (1).
Genome position (GRCh38, 1-based): chr21:42,854,571, A>G on the plus strand (T>C on the coding strand, the complement: WDR4 is on the minus strand). VCF-style: chr21-42854571-A-G. GRCh37 (hg19) VCF-style: chr21-44274681-A-G.
Other names: c.779T>C, p.Leu260Pro (NM_001260474.2); c.344T>C, p.Leu115Pro (NM_001260475.2, NM_001260476.2, NM_001260477.2 and 1 more transcripts); c.782T>C, p.Leu261Pro (NM_033661.5); short protein forms L260P, L115P, L261P.
Identifiers: ClinVar variation 2061510 (VCV002061510.4), dbSNP rs2516979677, ClinGen allele CA410388986.

ClinVar aggregate classification (germline): Uncertain significance (1 of 4 stars; one submission).

Allele frequency attached by ClinVar (database versions not stated): gnomAD exomes below 0.00001.

Submission:

Labcorp Genetics (formerly Invitae), Labcorp
Classification: Uncertain significance. Last evaluated: 2022-07-18. Review status: criteria provided, single submitter. Criteria: Invitae Variant Classification Sherloc (09022015). Collection method: clinical testing. Allele origin: germline.
Comment: In summary, the available evidence is currently insufficient to determine the role of this variant in disease. Therefore, it has been classified as a Variant of Uncertain Significance. Algorithms developed to predict the effect of missense changes on protein structure and function are either unavailable or do not agree on the potential impact of this missense change (SIFT: "Deleterious"; PolyPhen-2: "Possibly Damaging"; Align-GVGD: "Class C0"). This variant has not been reported in the literature in individuals affected with WDR4-related conditions. This variant is not present in population databases (gnomAD no frequency). This sequence change replaces leucine, which is neutral and non-polar, with proline, which is neutral and non-polar, at codon 261 of the WDR4 protein (p.Leu261Pro).